The following is an entry in ClinVar:

NM_001165963.4(SCN1A):c.4958C>T (p.Ala1653Val)

Genes: SCN1A (sodium voltage-gated channel alpha subunit 1; minus strand), LOC102724058 (uncharacterized LOC102724058; plus strand). Cytogenetic location: 2q24.3.
Variant type: single nucleotide variant.
Coding change: c.4958C>T on transcript NM_001165963.4 (MANE Select); coding-DNA position 4958, C replaced by T.
Protein change: p.Ala1653Val; replaces alanine 1653 with valine.
Molecular consequence: missense variant. On other transcripts: non-coding transcript variant (1).
Genome position (GRCh38, 1-based): chr2:165,992,317, G>A on the plus strand (C>T on the coding strand, the complement: SCN1A is on the minus strand). VCF-style: chr2-165992317-G-A. GRCh37 (hg19) VCF-style: chr2-166848827-G-A.
Other names: c.4874C>T, p.Ala1625Val (NM_001165964.3, NM_001353957.2, NM_001353958.2); c.4958C>T, p.Ala1653Val (NM_001202435.3, NM_001353948.2); c.4925C>T, p.Ala1642Val (NM_001353949.2, NM_001353950.2, NM_001353951.2 and 2 more transcripts); c.4922C>T, p.Ala1641Val (NM_001353954.2, NM_001353955.2); c.4871C>T, p.Ala1624Val (NM_001353960.2); c.2516C>T, p.Ala839Val (NM_001353961.2); short protein forms A1625V, A1641V, A1653V, A839V, A1624V, A1642V.
Identifiers: ClinVar variation 2081155 (VCV002081155.4), dbSNP rs2105434461, ClinGen allele CA349070008.

ClinVar aggregate classification (germline): Pathogenic (1 of 4 stars; one submission).

Conditions:
Early-infantile DEE. Also called: Ohtahara syndrome; Early infantile epileptic encephalopathy with suppression bursts; Early infantile epileptic encephalopathy. Identifiers: Orphanet 1934, MedGen C0393706, MONDO:0800491.

Submission:

Labcorp Genetics (formerly Invitae), Labcorp
Classification: Pathogenic for Early-infantile DEE. Last evaluated: 2023-12-22. Review status: criteria provided, single submitter. Criteria: Invitae Variant Classification Sherloc (09022015). Collection method: clinical testing. Allele origin: germline.
Comment: This sequence change replaces alanine, which is neutral and non-polar, with valine, which is neutral and non-polar, at codon 1653 of the SCN1A protein (p.Ala1653Val). This variant is not present in population databases (gnomAD no frequency). This missense change has been observed in individual(s) with clinical features of epileptic encephalopathy with cerebellar atrophy (Invitae). In at least one individual the variant was observed to be de novo. ClinVar contains an entry for this variant (Variation ID: 2081155). Advanced modeling of protein sequence and biophysical properties (such as structural, functional, and spatial information, amino acid conservation, physicochemical variation, residue mobility, and thermodynamic stability) performed at Invitae indicates that this missense variant is expected to disrupt SCN1A protein function with a positive predictive value of 95%. For these reasons, this variant has been classified as Pathogenic.